The following is an entry in ClinVar:

NM_004247.4(EFTUD2):c.1275C>A (p.Gly425=)

Gene: EFTUD2 (elongation factor Tu GTP binding domain containing 2; minus strand). Cytogenetic location: 17q21.31.
Variant type: single nucleotide variant.
Coding change: c.1275C>A on transcript NM_004247.4 (MANE Select); coding-DNA position 1275, C replaced by A.
Protein change: p.Gly425=; no amino-acid change (glycine 425 retained).
Molecular consequence: synonymous variant.
Genome position (GRCh38, 1-based): chr17:44,864,940, G>T on the plus strand (C>A on the coding strand, the complement: EFTUD2 is on the minus strand). VCF-style: chr17-44864940-G-T. GRCh37 (hg19) VCF-style: chr17-42942308-G-T.
Other names: c.1170C>A, p.Gly390= (NM_001142605.2); c.1275C>A, p.Gly425= (NM_001258353.2); c.1245C>A, p.Gly415= (NM_001258354.2).
Identifiers: ClinVar variation 737353 (VCV000737353.11), dbSNP rs146042054, ClinGen allele CA8607836.

ClinVar aggregate classification (germline): Likely benign. Review status: criteria provided, multiple submitters, no conflicts (2 of 4 stars). 3 submissions from 3 submitters: Likely benign (3). Last evaluated 2026-03-05.

Conditions:
EFTUD2-related disorder. Also called: EFTUD2-related condition.

Allele frequency attached by ClinVar (database versions not stated): ExAC 0.00004; gnomAD exomes 0.00004; ESP Exome Variant Server 0.00008; gnomAD 0.00022 and 0.00024; TOPMed 0.00025.

Submissions (3):

PreventionGenetics, part of Exact Sciences
Classification: Likely benign for EFTUD2-related condition. Last evaluated: 2026-03-05. Review status: criteria provided, single submitter. Criteria: ACMG Guidelines, 2015. Collection method: clinical testing. Allele origin: germline.
Comment: This variant is classified as likely benign based on ACMG/AMP sequence variant interpretation guidelines (Richards et al. 2015 PMID: 25741868, with internal and published modifications).

Labcorp Genetics (formerly Invitae), Labcorp
Classification: Likely benign. Last evaluated: 2025-11-13. Review status: criteria provided, single submitter. Criteria: Invitae Variant Classification Sherloc (09022015). Collection method: clinical testing. Allele origin: germline.

GeneDx
Classification: Likely benign. Last evaluated: 2021-06-07. Review status: criteria provided, single submitter. Criteria: GeneDx Variant Classification Process June 2021. Collection method: clinical testing. Allele origin: germline. Affected: yes.